The following is an entry in ClinVar:

ClinVar aggregate classification (germline): Benign/Likely benign. Review status: criteria provided, multiple submitters, no conflicts (2 of 4 stars). 4 submissions from 4 submitters: Benign (1); Likely benign (3). Last evaluated 2025-12-02.

Conditions:
Hereditary cancer-predisposing syndrome. Also called: Tumor predisposition; Hereditary Cancer Syndrome; Hereditary neoplastic syndrome; Neoplastic Syndromes, Hereditary. Identifiers: Orphanet 140162, MedGen C0027672, MeSH D009386, MONDO:0015356.
Colorectal cancer, susceptibility to, 12 (CRCS12). Also called: COLORECTAL CANCER, SUSCEPTIBILITY TO, ON CHROMOSOME 12q24. Identifiers: Orphanet 220460, MedGen C3554460, MONDO:0014038, OMIM 615083.

Allele frequency attached by ClinVar (database versions not stated): ExAC 0.00002; gnomAD exomes 0.00002.
gnomAD v4.1: 4 of 1,604,508 alleles (0.00025%); highest among the groups gnomAD compares: East Asian, 0.0089%; no homozygotes.

Submissions (4):

Labcorp Genetics (formerly Invitae), Labcorp
Classification: Likely benign. Last evaluated: 2025-12-02. Review status: criteria provided, single submitter. Criteria: Invitae Variant Classification Sherloc (09022015). Collection method: clinical testing. Allele origin: germline.

Myriad Genetics, Inc.
Classification: Benign for Colorectal cancer, susceptibility to, 12. Last evaluated: 2025-02-07. Review status: criteria provided, single submitter. Criteria: Myriad Autosomal Dominant, Autosomal Recessive and X-Linked Classification Criteria (2023). Collection method: clinical testing. Allele origin: unknown.
Comment: This variant is considered benign. This variant is a silent/synonymous amino acid change and it is not expected to impact splicing.

Women's Health and Genetics/Laboratory Corporation of America, LabCorp
Classification: Likely benign. Last evaluated: 2024-08-08. Review status: criteria provided, single submitter. Criteria: LabCorp Variant Classification Summary - May 2015. Collection method: clinical testing. Allele origin: germline.

Ambry Genetics
Classification: Likely benign for Hereditary cancer-predisposing syndrome. Last evaluated: 2015-10-30. Review status: criteria provided, single submitter. Criteria: Ambry Variant Classification Scheme 2023. Collection method: clinical testing. Allele origin: germline.

NM_006231.4(POLE):c.1008T>C (p.Asn336=)

Gene: POLE (DNA polymerase epsilon, catalytic subunit; minus strand). Cytogenetic location: 12q24.33.
Variant type: single nucleotide variant.
Coding change: c.1008T>C on transcript NM_006231.4 (MANE Select); coding-DNA position 1008, T replaced by C.
Protein change: p.Asn336=; no amino-acid change (asparagine 336 retained).
Molecular consequence: synonymous variant.
Genome position (GRCh38, 1-based): chr12:132,676,106, A>G on the plus strand (T>C on the coding strand, the complement: POLE is on the minus strand). VCF-style: chr12-132676106-A-G. GRCh37 (hg19) VCF-style: chr12-133252692-A-G.
Identifiers: ClinVar variation 486094 (VCV000486094.18), dbSNP rs754405980, ClinGen allele CA6894125.
Genomic context (GRCh38, chr12:132,676,106, plus strand): 5'-CCGTTCTTCCCACAATACCGGGTAGTTTCCCAAGTGATACCTCCTTACCTCATCGGGTTC[A>G]TTGAAGACACAAAAGGGGCCTTCATATTCTGGCTTGGGGGTGAACTCAAAATCTTCAATA-3'
Protein context (NP_006222.2, residues 326-346): PEYEGPFCVF[Asn336=]EPDEAHLIQR